The following is an entry in ClinVar:

ClinVar aggregate classification (germline): Benign/Likely benign. Review status: criteria provided, multiple submitters, no conflicts (2 of 4 stars). 2 submissions from 2 submitters: Benign (1); Likely benign (1). Last evaluated 2025-09-17.

Conditions:
Methylmalonic acidemia with homocystinuria, type cblX (MAHCX). Also called: INTELLECTUAL DEVELOPMENTAL DISORDER, X-LINKED 3. Identifiers: Orphanet 369962, MedGen C0796208, MONDO:0010657, OMIM 309541.

Allele frequency attached by ClinVar (database versions not stated): ExAC 0.00001; gnomAD exomes 0.00001 and 0.00002; gnomAD 0.00004; TOPMed 0.00004.
gnomAD v4.1: 30 of 1,205,400 alleles (0.0025%); highest among the groups gnomAD compares: African/African-American, 0.01%; no homozygotes.

Submissions (3):

Labcorp Genetics (formerly Invitae), Labcorp
Classification: Benign for Methylmalonic acidemia with homocystinuria, type cblX. Last evaluated: 2025-09-17. Review status: criteria provided, single submitter. Criteria: Invitae Variant Classification Sherloc (09022015). Collection method: clinical testing. Allele origin: germline.

GeneDx
Classification: Likely benign. Last evaluated: 2016-09-09. Review status: criteria provided, single submitter. Criteria: GeneDx Variant Classification (06012015). Collection method: clinical testing. Allele origin: germline. Affected: yes.
Comment: This variant is considered likely benign or benign based on one or more of the following criteria: it is a conservative change, it occurs at a poorly conserved position in the protein, it is predicted to be benign by multiple in silico algorithms, and/or has population frequency not consistent with disease.

Dr. Peter K. Rogan Lab, Western University
No classification provided (evidence only). Condition: Thyroid cancer, nonmedullary, 1. Review status: no classification provided. Collection method: in vitro. Allele origin: not applicable. Functional consequence: retained intron. Not counted in ClinVar's aggregate classification.

NM_005334.3(HCFC1):c.5808C>T (p.Gly1936=)

Gene: HCFC1 (host cell factor C1; minus strand). Cytogenetic location: Xq28.
Variant type: single nucleotide variant.
Coding change: c.5808C>T on transcript NM_005334.3 (MANE Select); coding-DNA position 5808, C replaced by T.
Protein change: p.Gly1936=; no amino-acid change (glycine 1936 retained).
Molecular consequence: synonymous variant.
Genome position (GRCh38, 1-based): chrX:153,950,439, G>A on the plus strand (C>T on the coding strand, the complement: HCFC1 is on the minus strand). VCF-style: chrX-153950439-G-A. GRCh37 (hg19) VCF-style: chrX-153215890-G-A.
Identifiers: ClinVar variation 389016 (VCV000389016.5), dbSNP rs782369645, ClinGen allele CA10556726.
Genomic context (GRCh38, chrX:153,950,439, plus strand): 5'-GCTGGGCCCGCAGTACACCCGCATGAAGGCCAGCTGGGCCGGGGTGGAGCTCTTGAGCTC[G>A]CCCCCAGCCTGTGAGCTCTGGATGGCCAGGTACACGGAGTACTCGATAATCTTGCCGGAG-3'
Protein context (NP_005325.2, residues 1926-1946): YLAIQSSQAG[Gly1936=]ELKSSTPAQL